The following is an entry in ClinVar:

NM_021628.3(ALOXE3):c.-117C>G

Genes: ALOXE3 (arachidonate epidermal lipoxygenase 3; minus strand), LOC126862485 (CDK7 strongly-dependent group 2 enhancer GRCh37_chr17:8020998-8022197; plus strand). Cytogenetic location: 17p13.1.
Variant type: single nucleotide variant.
Coding change: c.-117C>G on transcript NM_021628.3 (MANE Select); 117 bases upstream of the start codon, C replaced by G.
Molecular consequence: 5 prime UTR variant. On other transcripts: missense variant (1).
Genome position (GRCh38, 1-based): chr17:8,118,107, G>C on the plus strand (C>G on the coding strand, the complement: ALOXE3 is on the minus strand). VCF-style: chr17-8118107-G-C. GRCh37 (hg19) VCF-style: chr17-8021425-G-C.
Other names: c.280C>G, p.Pro94Ala (NM_001165960.1); c.-117C>G (NM_001369446.1); short protein forms P94A.
Identifiers: ClinVar variation 4986420 (VCV004986420.1).
Genomic context (GRCh38, chr17:8,118,107, plus strand): 5'-GAGGAGAAGAGCGGCACGCCGGACAGGGCTGGGTTTCTGGGCGGAGGGCTAGGGGCTGCG[G>C]GGCTGGGTAGGGCTGAGGATGGGCCCAGCTCTCTCTGGGATGTTCCTGGGCTTTCTCTCT-3'

ClinVar aggregate classification (germline): Likely benign (1 of 4 stars; one submission).

Conditions:
ALOXE3-related disorder. Also called: ALOXE3-related condition.

gnomAD v4.1: 620 of 1,552,274 alleles (0.04%); highest among the groups gnomAD compares: African/African-American, 0.74%; no homozygotes.

Submission:

PreventionGenetics, part of Exact Sciences
Classification: Likely benign for ALOXE3-related condition. Last evaluated: 2025-03-07. Review status: criteria provided, single submitter. Criteria: ACMG Guidelines, 2015. Collection method: clinical testing. Allele origin: germline.
Comment: This variant is classified as likely benign based on ACMG/AMP sequence variant interpretation guidelines (Richards et al. 2015 PMID: 25741868, with internal and published modifications).